The following is an entry in ClinVar:

NM_015102.5(NPHP4):c.2579G>A (p.Gly860Glu)

Gene: NPHP4 (nephrocystin 4; minus strand). Cytogenetic location: 1p36.31.
Variant type: single nucleotide variant.
Coding change: c.2579G>A on transcript NM_015102.5 (MANE Select); coding-DNA position 2579, G replaced by A.
Protein change: p.Gly860Glu; replaces glycine 860 with glutamic acid.
Molecular consequence: missense variant. On other transcripts: non-coding transcript variant (1).
Genome position (GRCh38, 1-based): chr1:5,880,146, C>T on the plus strand (G>A on the coding strand, the complement: NPHP4 is on the minus strand). VCF-style: chr1-5880146-C-T. GRCh37 (hg19) VCF-style: chr1-5940206-C-T.
Other names: c.1040G>A, p.Gly347Glu (NM_001291593.2); c.1043G>A, p.Gly348Glu (NM_001291594.2); short protein forms G860E, G348E, G347E.
Identifiers: ClinVar variation 562354 (VCV000562354.8), dbSNP rs1487910110, ClinGen allele CA338058308.
Genomic context (GRCh38, chr1:5,880,146, plus strand): 5'-ACACATGGGCCCAACAGTGTAAACTCACGCCTTGAGCTTCCAGTCGTGAGGAGGCTGCCT[C>T]CAGAGAAGCGGCTGGCTCCATCGTTTGAGATGACCCGAGATCTGGACGGTGGCAATGTGC-3'
Protein context (NP_055917.1, residues 850-870): ISNDGASRFS[Gly860Glu]GSLLTTGSSR

ClinVar aggregate classification (germline): Uncertain significance. Review status: criteria provided, multiple submitters, no conflicts (2 of 4 stars). 4 submissions from 4 submitters: Uncertain significance (3). 1 of the submissions does not count toward it. Last evaluated 2024-05-07.

Conditions:
Nephronophthisis. Also called: Juvenile Nephronophthisis. Identifiers: Orphanet 655, MedGen C0687120, MONDO:0019005, HP:0000090.
Nephronophthisis 4 (NPHP4). Also called: NEPHRONOPHTHISIS 4, JUVENILE. Identifiers: Orphanet 655, MedGen C1847013, MONDO:0011752, OMIM 606966.
Senior-Loken syndrome 4 (SLSN4). Identifiers: Orphanet 3156, MedGen C1846979, MONDO:0011756, OMIM 606996.

Allele frequency attached by ClinVar (database versions not stated): gnomAD exomes below 0.00001 and 0.00002; gnomAD 0.00001.
gnomAD v4.1: 36 of 1,613,602 alleles (0.0022%); highest among the groups gnomAD compares: Non-Finnish European, 0.003%; no homozygotes.

Submissions (4):

Fulgent Genetics
Classification: Uncertain significance for Nephronophthisis 4; Senior-Loken syndrome 4. Last evaluated: 2024-05-07. Review status: criteria provided, single submitter. Criteria: ACMG Guidelines, 2015. Collection method: clinical testing. Allele origin: germline.

Labcorp Genetics (formerly Invitae), Labcorp
Classification: Uncertain significance for Nephronophthisis. Last evaluated: 2022-10-18. Review status: criteria provided, single submitter. Criteria: Invitae Variant Classification Sherloc (09022015). Collection method: clinical testing. Allele origin: germline.
Comment: This variant is present in population databases (no rsID available, gnomAD 0.0009%). This sequence change replaces glycine, which is neutral and non-polar, with glutamic acid, which is acidic and polar, at codon 860 of the NPHP4 protein (p.Gly860Glu). This variant has not been reported in the literature in individuals affected with NPHP4-related conditions. ClinVar contains an entry for this variant (Variation ID: 562354). Advanced modeling of protein sequence and biophysical properties (such as structural, functional, and spatial information, amino acid conservation, physicochemical variation, residue mobility, and thermodynamic stability) performed at Invitae indicates that this missense variant is expected to disrupt NPHP4 protein function. In summary, the available evidence is currently insufficient to determine the role of this variant in disease. Therefore, it has been classified as a Variant of Uncertain Significance.

Division Of Personalized Genomic Medicine, Columbia University Irving Medical Center
Classification: Uncertain significance for Senior-Loken syndrome 4. Last evaluated: 2020-11-05. Review status: criteria provided, single submitter. Criteria: ACMG Guidelines, 2015. Collection method: clinical testing. Allele origin: maternal. Inheritance: Autosomal recessive inheritance. Observed: 1 heterozygote.
Comment: The c.2579G>A variant in the NPHP4 gene is a heterozygous missense variant, which results in the substitution of the highly conserved glycine residue at the 860 position to glutamic acid (p.Gly860Glu). This variant localizes to coding exon 19 of the NPHP4 gene (30 exons total; NM_015102.5). This variant is predicted to be deleterious and damaging to protein structure and/or function based on in silico analyses (PROVEAN, SIFT, PolyPhen-2). This variant has been observed in the Genome Aggregation Database (gnomAD) at a very low frequency (allele frequency = 0.000004030, no homozygotes), indicating it is not a common benign variant in the populations represented in this database. To the best of our knowledge, this specific variant has not been described in the literature to be associated with disease.

Gharavi Laboratory, Columbia University
Classification: Likely pathogenic. Last evaluated: 2018-09-16. Review status: no assertion criteria provided. Criteria: ACMG Guidelines, 2015. Collection method: research. Allele origin: germline. Affected: yes. Not counted in ClinVar's aggregate classification.